The following is an entry in ClinVar:

ClinVar aggregate classification (germline): Pathogenic (1 of 4 stars; one submission).

Conditions:
Developmental and epileptic encephalopathy. Identifiers: MedGen C5779964, MONDO:0100620.

Submission:

Labcorp Genetics (formerly Invitae), Labcorp
Classification: Pathogenic for Early-infantile DEE. Last evaluated: 2021-11-30. Review status: criteria provided, single submitter. Criteria: Invitae Variant Classification Sherloc (09022015). Collection method: clinical testing. Allele origin: germline.
Comment: This sequence change replaces threonine, which is neutral and polar, with arginine, which is basic and polar, at codon 841 of the SCN1A protein (p.Thr841Arg). This variant is not present in population databases (gnomAD no frequency). This missense change has been observed in individual(s) with Dravet syndrome (PMID: 28356460). In at least one individual the variant was observed to be de novo. ClinVar contains an entry for this variant (Variation ID: 461252). Advanced modeling of protein sequence and biophysical properties (such as structural, functional, and spatial information, amino acid conservation, physicochemical variation, residue mobility, and thermodynamic stability) performed at Invitae indicates that this missense variant is expected to disrupt SCN1A protein function. Algorithms developed to predict the effect of sequence changes on RNA splicing suggest that this variant may create or strengthen a splice site. For these reasons, this variant has been classified as Pathogenic.

Literature cited by the submitters: PubMed 28356460.

NM_001165963.4(SCN1A):c.2522C>G (p.Thr841Arg)

Gene: SCN1A (sodium voltage-gated channel alpha subunit 1; minus strand). Cytogenetic location: 2q24.3.
Variant type: single nucleotide variant.
Coding change: c.2522C>G on transcript NM_001165963.4 (MANE Select); coding-DNA position 2522, C replaced by G.
Protein change: p.Thr841Arg; replaces threonine 841 with arginine.
Molecular consequence: missense variant. On other transcripts: non-coding transcript variant (1).
Genome position (GRCh38, 1-based): chr2:166,039,490, G>C on the plus strand (C>G on the coding strand, the complement: SCN1A is on the minus strand). VCF-style: chr2-166039490-G-C. GRCh37 (hg19) VCF-style: chr2-166896000-G-C.
Other names: c.2438C>G, p.Thr813Arg (NM_001165964.3, NM_001353957.2, NM_001353958.2); c.2522C>G, p.Thr841Arg (NM_001202435.3, NM_001353948.2); c.2489C>G, p.Thr830Arg (NM_001353949.2, NM_001353950.2, NM_001353951.2 and 2 more transcripts); c.2486C>G, p.Thr829Arg (NM_001353954.2, NM_001353955.2); c.2435C>G, p.Thr812Arg (NM_001353960.2); c.80C>G, p.Thr27Arg (NM_001353961.2); short protein forms T841R, T830R, T813R, T829R, T27R, T812R.
Identifiers: ClinVar variation 461252 (VCV000461252.3), dbSNP rs750901301, ClinGen allele CA349062549.